The following is an entry in ClinVar:

NM_000059.4(BRCA2):c.1547T>A (p.Phe516Tyr)

Gene: BRCA2 (BRCA2 DNA repair associated; plus strand). Cytogenetic location: 13q13.1.
Variant type: single nucleotide variant.
Coding change: c.1547T>A on transcript NM_000059.4 (MANE Select); coding-DNA position 1547, T replaced by A.
Protein change: p.Phe516Tyr; replaces phenylalanine 516 with tyrosine.
Molecular consequence: missense variant.
Genome position (GRCh38, 1-based): chr13:32,333,025, T>A. VCF-style: chr13-32333025-T-A. GRCh37 (hg19) VCF-style: chr13-32907162-T-A.
Other names: short protein forms F516Y.
Identifiers: ClinVar variation 483050 (VCV000483050.14), dbSNP rs768641298, ClinGen allele CA6940524.
Genomic context (GRCh38, chr13:32,333,025, plus strand): 5'-CTTCATTTCAGGGTATCAAAAAGTCTATATTCAGAATAAGAGAATCACCTAAAGAGACTT[T>A]CAATGCAAGTTTTTCAGGTCATATGACTGATCCAAACTTTAAAAAAGAAACTGAAGCCTC-3'
Protein context (NP_000050.3, residues 506-526): FRIRESPKET[Phe516Tyr]NASFSGHMTD

ClinVar aggregate classification (germline): Conflicting classifications of pathogenicity. Review status: criteria provided, conflicting classifications (1 of 4 stars). 3 submissions from 3 submitters: Uncertain significance (2); Likely benign (1). Last evaluated 2023-03-23.

Conditions:
Hereditary breast ovarian cancer syndrome. Also called: Hereditary breast and ovarian cancer syndrome; Hereditary breast and ovarian cancer; Hereditary breast and ovarian cancer syndrome (HBOC); Breast and ovarian cancer; Hereditary breast and/or ovarian cancer syndrome; BRCA1- and BRCA2-Associated Hereditary Breast and Ovarian Cancer. Identifiers: Orphanet 145, MedGen C0677776, MeSH D061325, MONDO:0003582. Disease mechanism: loss of function.
Hereditary cancer-predisposing syndrome. Also called: Neoplastic Syndromes, Hereditary; Tumor predisposition; Hereditary Cancer Syndrome; Hereditary neoplastic syndrome. Identifiers: Orphanet 140162, MedGen C0027672, MeSH D009386, MONDO:0015356.

Allele frequency attached by ClinVar (database versions not stated): gnomAD exomes below 0.00001; ExAC 0.00001.
gnomAD v4.1: 1 of 1,595,798 alleles (0.000063%); highest among the groups gnomAD compares: South Asian, 0.0012%; no homozygotes.

Submissions (3):

University of Washington Department of Laboratory Medicine, University of Washington
Classification: Likely benign for Hereditary cancer-predisposing syndrome. Last evaluated: 2023-03-23. Review status: criteria provided, single submitter. Criteria: Dines et al. (Genet Med. 2020). Collection method: curation. Allele origin: germline.
Comment: Missense variant in a coldspot region where missense variants are very unlikely to be pathogenic (PMID:31911673).

BRCA2 exon 10 coldspot. Reclassification based on statistical prior probability.

Labcorp Genetics (formerly Invitae), Labcorp
Classification: Uncertain significance for Hereditary breast ovarian cancer syndrome. Last evaluated: 2022-07-29. Review status: criteria provided, single submitter. Criteria: Invitae Variant Classification Sherloc (09022015). Collection method: clinical testing. Allele origin: germline.
Comment: In summary, the available evidence is currently insufficient to determine the role of this variant in disease. Therefore, it has been classified as a Variant of Uncertain Significance. Advanced modeling of protein sequence and biophysical properties (such as structural, functional, and spatial information, amino acid conservation, physicochemical variation, residue mobility, and thermodynamic stability) performed at Invitae indicates that this missense variant is not expected to disrupt BRCA2 protein function. ClinVar contains an entry for this variant (Variation ID: 483050). This variant has not been reported in the literature in individuals affected with BRCA2-related conditions. This variant is present in population databases (rs768641298, gnomAD 0.004%). This sequence change replaces phenylalanine, which is neutral and non-polar, with tyrosine, which is neutral and polar, at codon 516 of the BRCA2 protein (p.Phe516Tyr).

Ambry Genetics
Classification: Uncertain significance for Hereditary cancer-predisposing syndrome. Last evaluated: 2016-08-15. Review status: criteria provided, single submitter. Criteria: Ambry Variant Classification Scheme 2023. Collection method: clinical testing. Allele origin: germline.
Comment: The p.F516Y variant (also known as c.1547T>A), located in coding exon 9 of the BRCA2 gene, results from a T to A substitution at nucleotide position 1547. The phenylalanine at codon 516 is replaced by tyrosine, an amino acid with highly similar properties. This variant was not reported in population based cohorts in the following databases: Database of Single Nucleotide Polymorphisms (dbSNP), NHLBI Exome Sequencing Project (ESP), and 1000 Genomes Project. In the ESP, this variant was not observed in 6503 samples (13006 alleles) with coverage at this position. To date, this alteration has been detected with an allele frequency of approximately 0.0003% (greater than 300000 alleles tested) in our clinical cohort. This nucleotide position is not well conserved in available vertebrate species. This amino acid position is not well conserved in available vertebrate species. In addition, this alteration is predicted to be tolerated by in silico analysis. Since supporting evidence is limited at this time, the clinical significance of this alteration remains unclear.